The following is an entry in ClinVar:

NM_014049.4(ACAD9):c.1A>G

Gene: ACAD9 (acyl-CoA dehydrogenase family member 9; plus strand). Cytogenetic location: 3q21.3.
Variant type: single nucleotide variant.
Coding change: c.1A>G on transcript NM_014049.4; coding-DNA position 1, A replaced by G.
Molecular consequence: missense variant, initiator codon variant (on NM_014049.5). On other transcripts: non-coding transcript variant (1).
Genome position (GRCh38, 1-based): chr3:128,879,692, A>G. VCF-style: chr3-128879692-A-G. GRCh37 (hg19) VCF-style: chr3-128598535-A-G.
Other names: c.1A>G, p.Met1Val (NM_014049.5); short protein forms M1V.
Identifiers: ClinVar variation 242469 (VCV000242469.5), dbSNP rs773949927, ClinGen allele CA353808.

ClinVar aggregate classification (germline): Pathogenic/Likely pathogenic. Review status: criteria provided, multiple submitters, no conflicts (2 of 4 stars). 2 submissions from 2 submitters: Pathogenic (1); Likely pathogenic (1). Last evaluated 2026-01-21.

Conditions:
Acyl-CoA dehydrogenase 9 deficiency. Also called: Acyl-CoA dehydrogenase family, member 9, deficiency of; MITOCHONDRIAL COMPLEX I DEFICIENCY, NUCLEAR TYPE 20. Identifiers: Orphanet 99901, MedGen C4747517, MONDO:0012624, OMIM 611126.

Submissions (2):

Labcorp Genetics (formerly Invitae), Labcorp
Classification: Pathogenic. Last evaluated: 2026-01-21. Review status: criteria provided, single submitter. Criteria: Invitae Variant Classification Sherloc (09022015). Collection method: clinical testing. Allele origin: germline.
Comment: This sequence change affects the initiator codon of the ACAD9 mRNA. This change may impact translation initiation or efficiency. The next in-frame methionine is located at codon 124. This variant is not present in population databases (gnomAD no frequency). Disruption of the initiator codon has been observed in individual(s) with mitochondrial complex I deficiency (PMID: 26669660, 30025539). In at least one individual the data is consistent with being in trans (on the opposite chromosome) from a pathogenic variant. ClinVar contains an entry for this variant (Variation ID: 242469). This variant disrupts a region of the ACAD9 protein in which other variant(s) (p.Phe44Ile) have been observed in individuals with ACAD9-related conditions (PMID: 21057504). This suggests that this is a clinically significant region of the protein, and that variants that disrupt it are likely to be disease-causing. For these reasons, this variant has been classified as Pathogenic.

Natera, Inc.
Classification: Likely pathogenic for ACAD9 deficiency. Last evaluated: 2025-10-07. Review status: criteria provided, single submitter. Criteria: Natera Variant Classification Schema (03/2026). Collection method: clinical testing. Allele origin: germline.
Comment: The c.1A>G variant in ACAD9 is predicted to result in start loss due to disruption of the initiator methionine. This variant is expected to result in nonsense mediated decay, truncation, or a dysfunctional protein product. This variant is rare in the general population with a frequency below the threshold expected for the associated phenotype(s). This variant has been observed in one or more individuals affected with the associated recessive disease, as either homozygous or compound heterozygous with a second variant (PMID: 26669660). Given the available evidence, this variant is classified as Likely Pathogenic.

Literature cited by the submitters: PubMed 26669660 (cited by Labcorp Genetics (formerly Invitae), Labcorp and Natera, Inc.); PubMed 30025539 (cited by Labcorp Genetics (formerly Invitae), Labcorp); PubMed 21057504 (cited by Labcorp Genetics (formerly Invitae), Labcorp).